The following is an entry in ClinVar:

NM_133259.4(LRPPRC):c.3149-2del

Gene: LRPPRC (leucine rich pentatricopeptide repeat containing; minus strand). Cytogenetic location: 2p21.
Variant type: Deletion.
Coding change: c.3149-2del on transcript NM_133259.4 (MANE Select); the canonical splice acceptor site of the intron before coding-DNA position 3149, one base deleted (A; older notation c.3149-2delA).
Molecular consequence: splice acceptor variant.
Genome position (GRCh38, 1-based): chr2:43,912,560, T deleted on the plus strand (A on the coding strand, the reverse complement: LRPPRC is on the minus strand). VCF-style (leftmost placement, unchanged base first): chr2-43912559-CT-C. GRCh37 (hg19) VCF-style: chr2-44139698-CT-C.
Identifiers: ClinVar variation 4081726 (VCV004081726.1).

ClinVar aggregate classification (germline): Likely pathogenic (1 of 4 stars; one submission).

Conditions:
Congenital lactic acidosis, Saguenay-Lac-Saint-Jean type (MC4DN5). Also called: CYTOCHROME c OXIDASE DEFICIENCY, FRENCH CANADIAN TYPE; COX DEFICIENCY, FRENCH CANADIAN TYPE; MITOCHONDRIAL COMPLEX IV DEFICIENCY, NUCLEAR TYPE 5. Identifiers: Orphanet 70472, MedGen C1857355, MONDO:0009069, OMIM 220111.

Submission:

Myriad Genetics, Inc.
Classification: Likely pathogenic for Congenital lactic acidosis, Saguenay-Lac-Saint-Jean type. Last evaluated: 2025-05-19. Review status: criteria provided, single submitter. Criteria: Myriad Autosomal Dominant, Autosomal Recessive and X-Linked Classification Criteria (2023). Collection method: clinical testing. Allele origin: unknown.
Comment: NM_133259.3(LRPPRC):c.3149-2delA is a variant in a canonical splice site classified as likely pathogenic in the context of Leigh syndrome, French-Canadian type. c.3149-2delA has not been observed in cases with relevant disease. Relevant functional assessments of this variant are not available in the literature. c.3149-2delA has not been observed in referenced population frequency databases. In summary, NM_133259.3(LRPPRC):c.3149-2delA is a variant in a canonical splice site in a gene where loss of function is a known mechanism of disease and is predicted to disrupt protein function. Please note: this variant was assessed in the context of healthy population screening.